The following is an entry in ClinVar:

ClinVar aggregate classification (germline): Uncertain significance (1 of 4 stars; one submission).

gnomAD v4.1: 2 of 1,612,834 alleles (0.00012%); highest among the groups gnomAD compares: Non-Finnish European, 0.00017%; no homozygotes.

Submission:

Labcorp Genetics (formerly Invitae), Labcorp
Classification: Uncertain significance. Last evaluated: 2021-08-22. Review status: criteria provided, single submitter. Criteria: Invitae Variant Classification Sherloc (09022015). Collection method: clinical testing. Allele origin: germline.
Comment: This sequence change replaces valine with methionine at codon 2022 of the PCNT protein (p.Val2022Met). The valine residue is weakly conserved and there is a small physicochemical difference between valine and methionine. This variant is not present in population databases (ExAC no frequency). This variant has not been reported in the literature in individuals affected with PCNT-related conditions. Algorithms developed to predict the effect of missense changes on protein structure and function output the following: SIFT: "Tolerated"; PolyPhen-2: "Possibly Damaging"; Align-GVGD: "Class C0". The methionine amino acid residue is found in multiple mammalian species, which suggests that this missense change does not adversely affect protein function. In summary, the available evidence is currently insufficient to determine the role of this variant in disease. Therefore, it has been classified as a Variant of Uncertain Significance.

NM_006031.6(PCNT):c.6064G>A (p.Val2022Met)

Gene: PCNT (pericentrin; plus strand). Cytogenetic location: 21q22.3.
Variant type: single nucleotide variant.
Coding change: c.6064G>A on transcript NM_006031.6 (MANE Select); coding-DNA position 6064, G replaced by A.
Protein change: p.Val2022Met; replaces valine 2022 with methionine.
Molecular consequence: missense variant.
Genome position (GRCh38, 1-based): chr21:46,412,906, G>A. VCF-style: chr21-46412906-G-A. GRCh37 (hg19) VCF-style: chr21-47832820-G-A.
Other names: c.5710G>A, p.Val1904Met (NM_001315529.2); short protein forms V1904M, V2022M.
Identifiers: ClinVar variation 1491558 (VCV001491558.3), dbSNP rs2147696428, ClinGen allele CA410558699.